The following is an entry in ClinVar:

NM_014244.5(ADAMTS2):c.97_98insTGTCTCTTATACACAT (p.Pro33fs)

Gene: ADAMTS2 (ADAM metallopeptidase with thrombospondin type 1 motif 2; minus strand). Cytogenetic location: 5q35.3.
Variant type: Insertion.
Coding change: c.97_98insTGTCTCTTATACACAT on transcript NM_014244.5 (MANE Select); coding-DNA positions 97 to 98, TGTCTCTTATACACAT inserted.
Protein change: p.Pro33fs; shifts the reading frame from proline 33.
Molecular consequence: frameshift variant.
Genome position: GRCh38 VCF-style: chr5-179345231-G-GATGTGTATAAGAGACA. GRCh37 (hg19) VCF-style: chr5-178772232-G-GATGTGTATAAGAGACA.
Other names: c.97_98insTGTCTCTTATACACAT, p.Pro33fs (NM_021599.4); short protein forms P33fs.
Identifiers: ClinVar variation 5010650 (VCV005010650.1).

ClinVar aggregate classification (germline): Pathogenic (1 of 4 stars; one submission).

Conditions:
Ehlers-Danlos syndrome, dermatosparaxis type. Also called: EDS VIIC; Dermatosparaxis; Ehlers-Danlos syndrome, type VII, autosomal recessive. Identifiers: Orphanet 1901, MedGen C2700425, MONDO:0009161, OMIM 225410.

Submission:

Myriad Genetics, Inc.
Classification: Pathogenic for Ehlers-Danlos syndrome, dermatosparaxis type. Last evaluated: 2024-05-14. Review status: criteria provided, single submitter. Criteria: Myriad Autosomal Dominant, Autosomal Recessive and X-Linked Classification Criteria (2023). Collection method: clinical testing. Allele origin: unknown.
Comment: NM_014244.4(ADAMTS2):c.97_98ins16(P33Lfs*38) is expected to be pathogenic in the context of Ehlers-Danlos syndrome, ADAMTS2-related. This variant is predicted to lead to an abnormal or absent protein product due to the creation of a premature termination codon in ADAMTS2, a gene where loss-of-function variants are known to be pathogenic. Please note: this variant was assessed in the context of healthy population screening.